The following is an entry in ClinVar:

ClinVar aggregate classification (germline): Likely pathogenic (1 of 4 stars; one submission).

Conditions:
Arrhythmogenic right ventricular dysplasia 11. Also called: Arrhythmogenic Right Ventricular Dysplasia/Cardiomyopathy11; ARRHYTHMOGENIC RIGHT VENTRICULAR DYSPLASIA, FAMILIAL, 11; Arrhythmogenic right ventricular dysplasia 11 with mild palmoplantar keratoderma and woolly hair. Identifiers: MedGen C1864850, MONDO:0012506, OMIM 610476.

Submission:

Labcorp Genetics (formerly Invitae), Labcorp
Classification: Likely pathogenic for Arrhythmogenic right ventricular dysplasia 11. Last evaluated: 2019-07-29. Review status: criteria provided, single submitter. Criteria: Invitae Variant Classification Sherloc (09022015). Collection method: clinical testing. Allele origin: germline.
Comment: In summary, the currently available evidence indicates that the variant is pathogenic, but additional data are needed to prove that conclusively. Therefore, this variant has been classified as Likely Pathogenic. This variant disrupts the C-terminus of the DSC2 protein. Other variant(s) that disrupt this region (p.Gly863Lysfs*13, p.Asp852Thrfs*4) have been observed in individuals with DSC2-related conditions (PMID: 25820315, 21220045). This suggests that this may be a clinically significant region of the protein. This variant has not been reported in the literature in individuals with DSC2-related conditions. This sequence change is a complex rearrangement that deletes exons 14-16 of the DSC2 gene and inserts some inverted sequence from exon 15. While this deletion is not anticipated to result in nonsense mediated decay, it is expected to create a truncated protein product or disrupt mRNA translation.

Literature cited by the submitters: PubMed 25820315; PubMed 21220045.

NC_000018.10:g.(?_31068005)_(31070860_?)del

Gene: DSC2 (desmocollin 2; minus strand). Cytogenetic location: 18q12.1.
Variant type: Deletion.
Identifiers: ClinVar variation 831421 (VCV000831421.8).